The following is an entry in ClinVar:

ClinVar aggregate classification (germline): Uncertain significance (1 of 4 stars; one submission).

Conditions:
Coffin-Siris syndrome 8. Identifiers: MedGen C5193054, MONDO:0032702, OMIM 618362.

Submission:

3billion
Classification: Uncertain significance for Coffin-Siris syndrome 8. Last evaluated: 2024-11-24. Review status: criteria provided, single submitter. Criteria: ACMG Guidelines, 2015. Collection method: clinical testing. Allele origin: germline. Affected: yes.
Comment: The variant is not observed in the gnomAD v4.1.0 dataset. Predicted Consequence/Location: Intron variant In silico tools predict the variant to alter splicing and produce an abnormal transcript [SpliceAI: 0.88 (>=0.2, moderate evidence for spliceogenicity)]. Therefore, this variant is classified as VUS according to the recommendation of ACMG/AMP guideline.

NM_001330288.2(SMARCC2):c.1179+21C>T

Gene: SMARCC2 (SWI/SNF related BAF chromatin remodeling complex subunit C2; minus strand). Cytogenetic location: 12q13.2.
Variant type: single nucleotide variant.
Coding change: c.1179+21C>T on transcript NM_001330288.2 (MANE Select); 21 bases into the intron after coding-DNA position 1179, C replaced by T.
Molecular consequence: intron variant.
Genome position (GRCh38, 1-based): chr12:56,178,789, G>A on the plus strand (C>T on the coding strand, the complement: SMARCC2 is on the minus strand). VCF-style: chr12-56178789-G-A. GRCh37 (hg19) VCF-style: chr12-56572573-G-A.
Other names: c.1179+21C>T (NM_003075.5, NM_139067.4, NM_001130420.3).
Identifiers: ClinVar variation 4294022 (VCV004294022.1).